The following is an entry in ClinVar:

ClinVar aggregate classification (germline): Likely benign. Review status: criteria provided, multiple submitters, no conflicts (2 of 4 stars). 3 submissions from 3 submitters: Likely benign (2). 1 of the submissions does not count toward it. Last evaluated 2026-01-07.

Conditions:
RYR1-related disorder. Also called: RYR1-related condition; RYR1-related disorders. Identifiers: MedGen CN239331.

Allele frequency attached by ClinVar (database versions not stated): gnomAD 0.00001; gnomAD exomes 0.00001; TOPMed 0.00001.
gnomAD v4.1: 51 of 1,613,166 alleles (0.0032%); highest among the groups gnomAD compares: Non-Finnish European, 0.0042%; no homozygotes.

Submissions (3):

Labcorp Genetics (formerly Invitae), Labcorp
Classification: Likely benign for RYR1-related disorder. Last evaluated: 2026-01-07. Review status: criteria provided, single submitter. Criteria: Invitae Variant Classification Sherloc (09022015). Collection method: clinical testing. Allele origin: germline.

GeneDx
Classification: Likely benign. Last evaluated: 2018-01-24. Review status: criteria provided, single submitter. Criteria: GeneDx Variant Classification (06012015). Collection method: clinical testing. Allele origin: germline. Affected: yes.
Comment: This variant is considered likely benign or benign based on one or more of the following criteria: it is a conservative change, it occurs at a poorly conserved position in the protein, it is predicted to be benign by multiple in silico algorithms, and/or has population frequency not consistent with disease.

PreventionGenetics, part of Exact Sciences
Classification: Likely benign for RYR1-related condition. Last evaluated: 2020-06-22. Review status: no assertion criteria provided. Collection method: clinical testing. Allele origin: germline. Not counted in ClinVar's aggregate classification.
Comment: This variant is classified as likely benign based on ACMG/AMP sequence variant interpretation guidelines (Richards et al. 2015 PMID: 25741868, with internal and published modifications).

NM_000540.3(RYR1):c.4293+9C>T

Gene: RYR1 (ryanodine receptor 1; plus strand). Cytogenetic location: 19q13.2.
Variant type: single nucleotide variant.
Coding change: c.4293+9C>T on transcript NM_000540.3 (MANE Select); 9 bases into the intron after coding-DNA position 4293, C replaced by T.
Molecular consequence: intron variant.
Genome position (GRCh38, 1-based): chr19:38,475,459, C>T. VCF-style: chr19-38475459-C-T. GRCh37 (hg19) VCF-style: chr19-38966099-C-T.
Other names: c.4293+9C>T (NM_001042723.2).
Identifiers: ClinVar variation 514963 (VCV000514963.7), dbSNP rs753826434, ClinGen allele CA308082896.
Genomic context (GRCh38, chr19:38,475,459, plus strand): 5'-GGTGCCTGCAGACAACCGCGATGACCCCGAGATCATCCTCAACACCACCACGGTGTGGAC[C>T]AGTAACCCTCAATTTTGGGGTCCCCCCGCATAGCATAGGCACTCCTGAATTTCCAAGTTT-3'